The following is an entry in ClinVar:

NM_001303052.2(MYT1L):c.310G>A (p.Glu104Lys)

Gene: MYT1L (myelin transcription factor 1 like; minus strand). Cytogenetic location: 2p25.3.
Variant type: single nucleotide variant.
Coding change: c.310G>A on transcript NM_001303052.2 (MANE Select); coding-DNA position 310, G replaced by A.
Protein change: p.Glu104Lys; replaces glutamic acid 104 with lysine.
Molecular consequence: missense variant.
Genome position (GRCh38, 1-based): chr2:1,943,177, C>T on the plus strand (G>A on the coding strand, the complement: MYT1L is on the minus strand). VCF-style: chr2-1943177-C-T. GRCh37 (hg19) VCF-style: chr2-1946949-C-T.
Other names: c.310G>A, p.Glu104Lys (NM_001329844.2, NM_001329845.1, NM_001329846.3 and 6 more transcripts); short protein forms E104K.
Identifiers: ClinVar variation 1683907 (VCV001683907.2), dbSNP rs2149264115, ClinGen allele CA345713636.
Genomic context (GRCh38, chr2:1,943,177, plus strand): 5'-CCTCCTCGTCCTCATCCCCTGGCTCATCATTGTCCTCGGAGTACTCCTCCCCCTCATCCT[C>T]CTCCTTCTCATCCATGTCCTCAGTCCCATCACTGTCGTCACACTCATCCACTGAGGAGCT-3'
Protein context (NP_001289981.1, residues 94-114): DGTEDMDEKE[Glu104Lys]DEGEEYSEDN

ClinVar aggregate classification (germline): Uncertain significance (1 of 4 stars; one submission).

Submission:

GeneDx
Classification: Uncertain significance. Last evaluated: 2021-11-03. Review status: criteria provided, single submitter. Criteria: GeneDx Variant Classification Process June 2021. Collection method: clinical testing. Allele origin: germline. Affected: yes.
Comment: Not observed at significant frequency in large population cohorts (gnomAD); In silico analysis supports that this missense variant does not alter protein structure/function; Has not been previously published as pathogenic or benign to our knowledge